The following is an entry in ClinVar:

NM_000051.4(ATM):c.7788+1G>A

Genes: ATM (ATM serine/threonine kinase; plus strand), C11orf65 (chromosome 11 open reading frame 65; minus strand). Cytogenetic location: 11q22.3.
Variant type: single nucleotide variant.
Coding change: c.7788+1G>A on transcript NM_000051.4 (MANE Select); the canonical splice donor site of the intron after coding-DNA position 7788, G replaced by A.
Molecular consequence: splice donor variant. On other transcripts: intron variant (2).
Genome position (GRCh38, 1-based): chr11:108,332,038, G>A. VCF-style: chr11-108332038-G-A. GRCh37 (hg19) VCF-style: chr11-108202765-G-A.
Other names: c.7788+1G>A (NM_001351834.2); c.641-22967C>T (NM_001330368.2); c.*38+3182C>T (NM_001351110.2).
Identifiers: ClinVar variation 1068261 (VCV001068261.46), dbSNP rs1565534524, ClinGen allele CA382561224.

ClinVar aggregate classification (germline): Pathogenic. Review status: criteria provided, multiple submitters, no conflicts (2 of 4 stars). 2 submissions from 2 submitters: Pathogenic (2). Last evaluated 2026-01-28.

Conditions:
Familial colorectal cancer type X. Identifiers: Orphanet 440437, MedGen C3896578, MONDO:0018604.
Ataxia-telangiectasia syndrome (AT). Also called: Ataxia telangiectasia (A-T); ATAXIA-TELANGIECTASIA, COMPLEMENTATION GROUP A; ATAXIA-TELANGIECTASIA, FRESNO VARIANT; Ataxia-telangiectasia; Ataxia-telangiectasia, complementation group E; LOUIS-BAR SYNDROME. Identifiers: Orphanet 100, MedGen C0004135, MONDO:0008840, OMIM 208900.

Submissions (2):

Labcorp Genetics (formerly Invitae), Labcorp
Classification: Pathogenic for Ataxia-telangiectasia syndrome. Last evaluated: 2026-01-28. Review status: criteria provided, single submitter. Criteria: Invitae Variant Classification Sherloc (09022015). Collection method: clinical testing. Allele origin: germline.
Comment: This sequence change affects a donor splice site in intron 52 of the ATM gene. It is expected to disrupt RNA splicing. Variants that disrupt the donor or acceptor splice site typically lead to a loss of protein function (PMID: 16199547), and loss-of-function variants in ATM are known to be pathogenic (PMID: 23807571, 25614872). This variant is not present in population databases (gnomAD no frequency). Disruption of this splice site has been observed in individual(s) with clinical features of autosomal recessive ATM-related conditions (internal data). In at least one individual the data is consistent with being in trans (on the opposite chromosome) from a pathogenic variant. ClinVar contains an entry for this variant (Variation ID: 1068261). RNA analysis provides insufficient evidence to determine the effect of this variant on ATM splicing (internal data). For these reasons, this variant has been classified as Pathogenic.

Department of Pathology and Laboratory Medicine, Sinai Health System
Classification: Pathogenic for Familial colorectal cancer type X. Last evaluated: 2024-03-14. Review status: criteria provided, single submitter. Criteria: ACMG Guidelines, 2015. Collection method: clinical testing. Allele origin: germline. Affected: yes.

Literature cited by the submitters: PubMed 16199547 (cited by Labcorp Genetics (formerly Invitae), Labcorp); PubMed 23807571 (cited by Labcorp Genetics (formerly Invitae), Labcorp); PubMed 25614872 (cited by Labcorp Genetics (formerly Invitae), Labcorp).